The following is an entry in ClinVar:

ClinVar aggregate classification (germline): Uncertain significance (1 of 4 stars; one submission).

Conditions:
Cardiovascular phenotype. Identifiers: MedGen CN230736.

Submission:

Ambry Genetics
Classification: Uncertain significance for Cardiovascular phenotype. Last evaluated: 2025-02-23. Review status: criteria provided, single submitter. Criteria: Ambry Variant Classification Scheme 2023. Collection method: clinical testing. Allele origin: germline.
Comment: The p.R1772L variant (also known as c.5315G>T), located in coding exon 14 of the TNXB gene, results from a G to T substitution at nucleotide position 5315. The arginine at codon 1772 is replaced by leucine, an amino acid with dissimilar properties. This amino acid position is conserved. In addition, this alteration is predicted to be tolerated by in silico analysis. Based on the available evidence, the clinical significance of this variant remains unclear.

NM_001365276.2(TNXB):c.5315G>T (p.Arg1772Leu)

Gene: TNXB (tenascin XB; minus strand). Cytogenetic location: 6p21.33.
Variant type: single nucleotide variant.
Coding change: c.5315G>T on transcript NM_001365276.2 (MANE Select); coding-DNA position 5315, G replaced by T.
Protein change: p.Arg1772Leu; replaces arginine 1772 with leucine.
Molecular consequence: missense variant.
Genome position (GRCh38, 1-based): chr6:32,069,825, C>A on the plus strand (G>T on the coding strand, the complement: TNXB is on the minus strand). VCF-style: chr6-32069825-C-A. GRCh37 (hg19) VCF-style: chr6-32037602-C-A.
Other names: c.6056G>T, p.Arg2019Leu (NM_001428335.1); c.5315G>T, p.Arg1772Leu (NM_019105.8); short protein forms R2019L, R1772L.
Identifiers: ClinVar variation 3809369 (VCV003809369.1).